The following is an entry in ClinVar:

ClinVar aggregate classification (germline): Uncertain significance (1 of 4 stars; one submission).

Conditions:
Familial thoracic aortic aneurysm and aortic dissection (TAAD). Also called: Thoracic aortic aneurysms and dissections. Identifiers: Orphanet 91387, MedGen C4707243, MONDO:0019625.

Submission:

Ambry Genetics
Classification: Uncertain significance for Familial thoracic aortic aneurysm and aortic dissection. Last evaluated: 2022-05-02. Review status: criteria provided, single submitter. Criteria: Ambry Variant Classification Scheme 2023. Collection method: clinical testing. Allele origin: germline.
Comment: The p.G866D variant (also known as c.2597G>A), located in coding exon 15 of the MYLK gene, results from a G to A substitution at nucleotide position 2597. The glycine at codon 866 is replaced by aspartic acid, an amino acid with similar properties. This amino acid position is conserved. In addition, this alteration is predicted to be tolerated by in silico analysis. Since supporting evidence is limited at this time, the clinical significance of this alteration remains unclear.

NM_053025.4(MYLK):c.2597G>A (p.Gly866Asp)

Gene: MYLK (myosin light chain kinase; minus strand). Cytogenetic location: 3q21.1.
Variant type: single nucleotide variant.
Coding change: c.2597G>A on transcript NM_053025.4 (MANE Select); coding-DNA position 2597, G replaced by A.
Protein change: p.Gly866Asp; replaces glycine 866 with aspartic acid.
Molecular consequence: missense variant.
Genome position (GRCh38, 1-based): chr3:123,700,871, C>T on the plus strand (G>A on the coding strand, the complement: MYLK is on the minus strand). VCF-style: chr3-123700871-C-T. GRCh37 (hg19) VCF-style: chr3-123419718-C-T.
Other names: c.2069G>A, p.Gly690Asp (NM_001321309.2); c.2390G>A, p.Gly797Asp (NM_053026.4, NM_053028.4); c.2597G>A, p.Gly866Asp (NM_053027.4); short protein forms G866D, G690D, G797D.
Identifiers: ClinVar variation 1793580 (VCV001793580.2), dbSNP rs2474188214, ClinGen allele CA354232127.